The following is an entry in ClinVar:

ClinVar aggregate classification (germline): Likely benign. Review status: criteria provided, multiple submitters, no conflicts (2 of 4 stars). 4 submissions from 4 submitters: Likely benign (3). 1 of the submissions does not count toward it. Last evaluated 2026-01-21.

Conditions:
SAMD9L-related disorder. Also called: SAMD9L-related condition; SAMD9L-related disorders.

Allele frequency attached by ClinVar (database versions not stated): gnomAD exomes 0.00004 and 0.00015; 1000 Genomes Project 30x 0.00016; ExAC 0.00017; 1000 Genomes Project 0.00020; ESP Exome Variant Server 0.00054; gnomAD 0.00059 and 0.00065; TOPMed 0.00076.

Submissions (4):

Labcorp Genetics (formerly Invitae), Labcorp
Classification: Likely benign. Last evaluated: 2026-01-21. Review status: criteria provided, single submitter. Criteria: Invitae Variant Classification Sherloc (09022015). Collection method: clinical testing. Allele origin: germline.

Blueprint Genetics
Classification: Likely benign. Last evaluated: 2024-06-04. Review status: criteria provided, single submitter. Criteria: ACMG Guidelines, 2015. Collection method: clinical testing. Allele origin: germline.

Genetic Services Laboratory, University of Chicago
Classification: Likely benign. Last evaluated: 2021-11-26. Review status: criteria provided, single submitter. Criteria: ACMG Guidelines, 2015. Collection method: clinical testing. Allele origin: germline. Affected: no.

PreventionGenetics, part of Exact Sciences
Classification: Likely benign for SAMD9L-related condition. Last evaluated: 2022-03-17. Review status: no assertion criteria provided. Collection method: clinical testing. Allele origin: germline. Not counted in ClinVar's aggregate classification.
Comment: This variant is classified as likely benign based on ACMG/AMP sequence variant interpretation guidelines (Richards et al. 2015 PMID: 25741868, with internal and published modifications).

NM_152703.5(SAMD9L):c.979A>G (p.Ile327Val)

Gene: SAMD9L (sterile alpha motif domain containing 9 like; minus strand). Cytogenetic location: 7q21.2.
Variant type: single nucleotide variant.
Coding change: c.979A>G on transcript NM_152703.5 (MANE Select); coding-DNA position 979, A replaced by G.
Protein change: p.Ile327Val; replaces isoleucine 327 with valine.
Molecular consequence: missense variant.
Genome position (GRCh38, 1-based): chr7:93,134,993, T>C on the plus strand (A>G on the coding strand, the complement: SAMD9L is on the minus strand). VCF-style: chr7-93134993-T-C. GRCh37 (hg19) VCF-style: chr7-92764306-T-C.
Other names: c.979A>G (NM_152703.3); c.979A>G, p.Ile327Val (NM_001303496.3, NM_001303497.3, NM_001303498.3 and 5 more transcripts); short protein forms I327V.
Identifiers: ClinVar variation 736324 (VCV000736324.15), dbSNP rs144611687, ClinGen allele CA4343785.